The following is an entry in ClinVar:

ClinVar aggregate classification (germline): Uncertain significance (1 of 4 stars; one submission).

Submission:

GeneDx
Classification: Uncertain significance. Last evaluated: 2026-04-14. Review status: criteria provided, single submitter. Criteria: GeneDx Variant Classification Process June 2021. Collection method: clinical testing. Allele origin: germline.
Comment: Not observed at significant frequency in large population cohorts (gnomAD); In silico analysis suggests that this missense variant does not alter protein structure/function; Has not been previously published as pathogenic or benign to our knowledge

NM_014727.3(KMT2B):c.4414G>A (p.Val1472Met)

Gene: KMT2B (lysine methyltransferase 2B; plus strand). Cytogenetic location: 19q13.12.
Variant type: single nucleotide variant.
Coding change: c.4414G>A on transcript NM_014727.3 (MANE Select); coding-DNA position 4414, G replaced by A.
Protein change: p.Val1472Met; replaces valine 1472 with methionine.
Molecular consequence: missense variant.
Genome position (GRCh38, 1-based): chr19:35,727,902, G>A. VCF-style: chr19-35727902-G-A. GRCh37 (hg19) VCF-style: chr19-36218803-G-A.
Other names: short protein forms V1472M.
Identifiers: ClinVar variation 5037196 (VCV005037196.1).
Genomic context (GRCh38, chr19:35,727,902, plus strand): 5'-GTGCAGAGGGGACTCAGTCTCTGACAAACCCCCTTACAGCACAGCTTCATGGAGGACATG[G>A]TGGGCATCCTCATGCGGCACTCGGAGGAGGGAGAGACCCCGGACCGCCGGGCTGGAGGCC-3'
Protein context (NP_055542.1, residues 1462-1482): KSVHSFMEDM[Val1472Met]GILMRHSEEG